The following is an entry in ClinVar:

ClinVar aggregate classification (germline): Likely benign. Review status: criteria provided, multiple submitters, no conflicts (2 of 4 stars). 2 submissions from 2 submitters: Likely benign (2). Last evaluated 2025-07-20.

Conditions:
ALG9 congenital disorder of glycosylation (CDG1L). Also called: CONGENITAL DISORDER OF GLYCOSYLATION, TYPE Il; CDG Il; ALG9-CDG. Identifiers: Orphanet 79328, MedGen C2931006, MONDO:0012117, OMIM 608776.

gnomAD v4.1: 31 of 1,536,758 alleles (0.002%); highest among the groups gnomAD compares: African/African-American, 0.041%; no homozygotes.

Submissions (2):

Labcorp Genetics (formerly Invitae), Labcorp
Classification: Likely benign for ALG9 congenital disorder of glycosylation. Last evaluated: 2025-07-20. Review status: criteria provided, single submitter. Criteria: Invitae Variant Classification Sherloc (09022015). Collection method: clinical testing. Allele origin: germline.

Mayo Clinic Laboratories, Mayo Clinic
Classification: Likely benign. Last evaluated: 2025-04-21. Review status: criteria provided, single submitter. Criteria: ACMG Guidelines, 2015. Collection method: clinical testing. Allele origin: germline. Observed: 1 variant allele.
Comment: BP4, BP7

NM_024740.2(ALG9):c.21G>C (p.Arg7=)

Genes: ALG9 (ALG9 alpha-1,2-mannosyltransferase; minus strand), LOC130006752 (ATAC-STARR-seq lymphoblastoid silent region 3902; plus strand). Cytogenetic location: 11q23.1.
Variant type: single nucleotide variant.
Coding change: c.21G>C on transcript NM_024740.2 (MANE Select); coding-DNA position 21, G replaced by C.
Protein change: p.Arg7=; no amino-acid change (arginine 7 retained).
Molecular consequence: synonymous variant. On other transcripts: 5 prime UTR variant (3).
Genome position (GRCh38, 1-based): chr11:111,871,462, C>G on the plus strand (G>C on the coding strand, the complement: ALG9 is on the minus strand). VCF-style: chr11-111871462-C-G. GRCh37 (hg19) VCF-style: chr11-111742186-C-G.
Other names: p.Arg7=; c.21G>C, p.Arg7= (NM_001077690.1, NM_001352417.1, NM_001352418.1 and 4 more transcripts); c.-354G>C (NM_001352409.1); c.-497G>C (NM_001352410.1, NM_001352413.1).
Identifiers: ClinVar variation 4683692 (VCV004683692.2).